The following is an entry in ClinVar:

NM_033109.5(PNPT1):c.1074-19A>G

Gene: PNPT1 (polyribonucleotide nucleotidyltransferase 1; minus strand). Cytogenetic location: 2p16.1.
Variant type: single nucleotide variant.
Coding change: c.1074-19A>G on transcript NM_033109.5 (MANE Select); 19 bases into the intron before coding-DNA position 1074, A replaced by G.
Molecular consequence: intron variant.
Genome position (GRCh38, 1-based): chr2:55,667,112, T>C on the plus strand (A>G on the coding strand, the complement: PNPT1 is on the minus strand). VCF-style: chr2-55667112-T-C. GRCh37 (hg19) VCF-style: chr2-55894247-T-C.
Identifiers: ClinVar variation 138735 (VCV000138735.20), dbSNP rs782637, ClinGen allele CA302748.

ClinVar aggregate classification (germline): Benign. Review status: criteria provided, multiple submitters, no conflicts (2 of 4 stars). 7 submissions from 6 submitters: Benign (7). Last evaluated 2026-02-04.

Conditions:
Combined oxidative phosphorylation defect type 13. Also called: Combined oxidative phosphorylation deficiency 13. Identifiers: Orphanet 319514, MedGen C4706283, MONDO:0013977, OMIM 614932.
Autosomal recessive nonsyndromic hearing loss 70. Also called: Deafness, autosomal recessive 70. Identifiers: Orphanet 90636, MedGen C1824925, MONDO:0013978, OMIM 614934.

Allele frequency attached by ClinVar (database versions not stated): 1000 Genomes Project 0.32608; 1000 Genomes Project 30x 0.32964; TOPMed 0.43298; gnomAD exomes 0.44010 and 0.48711; ExAC 0.44041; gnomAD 0.44460 and 0.45197; ESP Exome Variant Server 0.44972.
gnomAD v4.1: 757,358 of 1,570,290 alleles (48%); highest among the groups gnomAD compares: Non-Finnish European, 52%; 189,175 homozygotes.

Submissions (7):

Labcorp Genetics (formerly Invitae), Labcorp
Classification: Benign. Last evaluated: 2026-02-04. Review status: criteria provided, single submitter. Criteria: Invitae Variant Classification Sherloc (09022015). Collection method: clinical testing. Allele origin: germline.

Blueprint Genetics
Classification: Benign. Last evaluated: 2024-11-26. Review status: criteria provided, single submitter. Criteria: ACMG Guidelines, 2015. Collection method: clinical testing. Allele origin: germline.

Genome-Nilou Lab
Classification: Benign for Combined oxidative phosphorylation defect type 13. Last evaluated: 2021-10-25. Review status: criteria provided, single submitter. Criteria: ACMG Guidelines, 2015. Collection method: clinical testing. Allele origin: germline. Affected: no.

Genome-Nilou Lab
Classification: Benign for Autosomal recessive nonsyndromic hearing loss 70. Last evaluated: 2021-10-25. Review status: criteria provided, single submitter. Criteria: ACMG Guidelines, 2015. Collection method: clinical testing. Allele origin: germline. Affected: no.

Eurofins Ntd Llc (ga)
Classification: Benign. Last evaluated: 2015-05-21. Review status: criteria provided, single submitter. Criteria: EGL Classification Definitions 2015. Collection method: clinical testing. Allele origin: germline. Observed: 2 variant alleles, 2 heterozygotes.

GeneDx
Classification: Benign. Last evaluated: 2013-09-05. Review status: criteria provided, single submitter. Criteria: GeneDx Variant Classification (06012015). Collection method: clinical testing. Allele origin: germline. Affected: yes.
Comment: This variant is considered likely benign or benign based on one or more of the following criteria: it is a conservative change, it occurs at a poorly conserved position in the protein, it is predicted to be benign by multiple in silico algorithms, and/or has population frequency not consistent with disease.

Breakthrough Genomics
Classification: Benign. Review status: criteria provided, single submitter. Criteria: ACMG Guidelines, 2015. Collection method: not provided. Allele origin: germline. Inheritance: Autosomal recessive inheritance. Affected: yes.